The following is an entry in ClinVar:

ClinVar aggregate classification (germline): Conflicting classifications of pathogenicity. Review status: criteria provided, conflicting classifications (1 of 4 stars). 2 submissions from 2 submitters: Uncertain significance (1); Likely benign (1). Last evaluated 2021-07-08.

Conditions:
Inborn genetic diseases. Identifiers: MedGen C0950123, MeSH D030342.

Allele frequency attached by ClinVar (database versions not stated): gnomAD exomes 0.00002 and 0.00003; TOPMed 0.00002.

Submissions (2):

Ambry Genetics
Classification: Uncertain significance for Inborn genetic diseases. Last evaluated: 2021-07-08. Review status: criteria provided, single submitter. Criteria: Ambry Variant Classification Scheme 2023. Collection method: clinical testing. Allele origin: germline.

GeneDx
Classification: Likely benign. Last evaluated: 2020-03-05. Review status: criteria provided, single submitter. Criteria: GeneDx Variant Classification Process June 2021. Collection method: clinical testing. Allele origin: germline. Affected: yes.
Comment: In silico analysis supports that this missense variant has a deleterious effect on protein structure/function; Has not been previously published as pathogenic or benign to our knowledge

NM_001372044.2(SHANK3):c.4667G>A (p.Arg1556Gln)

Gene: SHANK3 (SH3 and multiple ankyrin repeat domains 3; plus strand). Cytogenetic location: 22q13.33.
Variant type: single nucleotide variant.
Coding change: c.4667G>A on transcript NM_001372044.2 (MANE Select); coding-DNA position 4667, G replaced by A.
Protein change: p.Arg1556Gln; replaces arginine 1556 with glutamine.
Molecular consequence: missense variant.
Genome position (GRCh38, 1-based): chr22:50,722,275, G>A. VCF-style: chr22-50722275-G-A. GRCh37 (hg19) VCF-style: chr22-51160703-G-A.
Other names: c.4442G>A (NM_033517.1); short protein forms R1556Q.
Identifiers: ClinVar variation 1217658 (VCV001217658.6), dbSNP rs1216527991, ClinGen allele CA515264989.